The following is an entry in ClinVar:

NM_014743.3(KIAA0232):c.1831C>A (p.Pro611Thr)

Gene: KIAA0232 (KIAA0232; plus strand). Cytogenetic location: 4p16.1.
Variant type: single nucleotide variant.
Coding change: c.1831C>A on transcript NM_014743.3 (MANE Select); coding-DNA position 1831, C replaced by A.
Protein change: p.Pro611Thr; replaces proline 611 with threonine.
Molecular consequence: missense variant.
Genome position (GRCh38, 1-based): chr4:6,862,213, C>A. VCF-style: chr4-6862213-C-A. GRCh37 (hg19) VCF-style: chr4-6863940-C-A.
Other names: c.1831C>A, p.Pro611Thr (NM_001100590.2); short protein forms P611T.
Identifiers: ClinVar variation 4992575 (VCV004992575.1).
Genomic context (GRCh38, chr4:6,862,213, plus strand): 5'-TGGGAGTGCTGTTCATCCAGCTCCGGTGATGCTGATGGGGAGAGTTTTGGAGGAGACTCT[C>A]CAGTTAGACTCTCTCCCATCTTAGACAGCACAGTGCTCAATTCACACCTGCTTGCTGGCA-3'
Protein context (NP_055558.2, residues 601-621): ADGESFGGDS[Pro611Thr]VRLSPILDST

ClinVar aggregate classification (germline): Uncertain significance (1 of 4 stars; one submission).

Conditions:
KIAA0232-related disorder. Also called: KIAA0232-related condition.

Submission:

PreventionGenetics, part of Exact Sciences
Classification: Uncertain significance for KIAA0232-related condition. Last evaluated: 2026-07-27. Review status: criteria provided, single submitter. Criteria: ACMG Guidelines, 2015. Collection method: clinical testing. Allele origin: germline.
Comment: The KIAA0232 c.1831C>A variant is predicted to result in the amino acid substitution p.Pro611Thr. To our knowledge, this variant has not been reported in the literature or in a large population database (gnomAD), indicating this variant is rare. At this time, the clinical significance of this variant is uncertain due to the absence of conclusive functional and genetic evidence.